The following is an entry in ClinVar:

NM_001009944.3(PKD1):c.9920A>G (p.Tyr3307Cys)

Gene: PKD1 (polycystin 1, transient receptor potential channel interacting; minus strand). Cytogenetic location: 16p13.3.
Variant type: single nucleotide variant.
Coding change: c.9920A>G on transcript NM_001009944.3 (MANE Select); coding-DNA position 9920, A replaced by G.
Protein change: p.Tyr3307Cys; replaces tyrosine 3307 with cysteine.
Molecular consequence: missense variant.
Genome position (GRCh38, 1-based): chr16:2,099,864, T>C on the plus strand (A>G on the coding strand, the complement: PKD1 is on the minus strand). VCF-style: chr16-2099864-T-C. GRCh37 (hg19) VCF-style: chr16-2149865-T-C.
Other names: c.9920A>G, p.Tyr3307Cys (NM_000296.4); short protein forms Y3307C.
Identifiers: ClinVar variation 4978851 (VCV004978851.1).

ClinVar aggregate classification (germline): Uncertain significance (1 of 4 stars; one submission).

Conditions:
PKD1-related disorder. Also called: PKD1-related condition.

gnomAD v4.1: 3 of 1,566,794 alleles (0.00019%); highest among the groups gnomAD compares: Non-Finnish European, 0.00026%; no homozygotes.

Submission:

PreventionGenetics, part of Exact Sciences
Classification: Uncertain significance for PKD1-related condition. Last evaluated: 2025-12-08. Review status: criteria provided, single submitter. Criteria: ACMG Guidelines, 2015. Collection method: clinical testing. Allele origin: germline.
Comment: The PKD1 c.9920A>G variant is predicted to result in the amino acid substitution p.Tyr3307Cys. To our knowledge, this variant has not been reported in the literature. This variant is reported in 0.0029% of alleles in individuals of European (Non-Finnish) descent in gnomAD. At this time, the clinical significance of this variant is uncertain due to the absence of conclusive functional and genetic evidence.